The following is an entry in ClinVar:

ClinVar aggregate classification (germline): Conflicting classifications of pathogenicity. Review status: criteria provided, conflicting classifications (1 of 4 stars). 3 submissions from 3 submitters: Likely pathogenic (1); Uncertain significance (2). Last evaluated 2022-09-26.

Conditions:
Propionic acidemia (PROP). Also called: GLYCINEMIA, KETOTIC; HYPERGLYCINEMIA WITH KETOACIDOSIS AND LEUKOPENIA; KETOTIC HYPERGLYCINEMIA. Identifiers: Orphanet 35, MedGen C0268579, MONDO:0011628, OMIM 606054, HP:0003571.

Allele frequency attached by ClinVar (database versions not stated): ExAC 0.00001; gnomAD exomes 0.00001 and 0.00002; TOPMed 0.00002.
gnomAD v4.1: 11 of 1,390,238 alleles (0.00079%); highest among the groups gnomAD compares: Middle Eastern, 0.018%; no homozygotes.

Submissions (3):

Labcorp Genetics (formerly Invitae), Labcorp
Classification: Uncertain significance for Propionic acidemia. Last evaluated: 2022-09-26. Review status: criteria provided, single submitter. Criteria: Invitae Variant Classification Sherloc (09022015). Collection method: clinical testing. Allele origin: germline.
Comment: This sequence change replaces isoleucine, which is neutral and non-polar, with threonine, which is neutral and polar, at codon 270 of the PCCA protein (p.Ile270Thr). This variant is present in population databases (rs773749632, gnomAD 0.02%). This missense change has been observed in individual(s) with propionic acidemia (PMID: 29978829). ClinVar contains an entry for this variant (Variation ID: 1028666). Advanced modeling of protein sequence and biophysical properties (such as structural, functional, and spatial information, amino acid conservation, physicochemical variation, residue mobility, and thermodynamic stability) performed at Invitae indicates that this missense variant is expected to disrupt PCCA protein function. In summary, the available evidence is currently insufficient to determine the role of this variant in disease. Therefore, it has been classified as a Variant of Uncertain Significance.

Baylor Genetics
Classification: Uncertain significance for Propionic acidemia. Last evaluated: 2019-09-19. Review status: criteria provided, single submitter. Criteria: ACMG Guidelines, 2015. Collection method: clinical testing. Allele origin: unknown. Affected: yes.
Comment: This variant was determined to be of uncertain significance according to ACMG Guidelines, 2015 [PMID:25741868].

Juno Genomics, Hangzhou Juno Genomics, Inc
Classification: Likely pathogenic for Propionic acidemia. Review status: criteria provided, single submitter. Criteria: ACMG Guidelines, 2015. Collection method: clinical testing. Allele origin: germline.
Comment: Absent from controls (or at extremely low frequency if recessive) in Genome Aggregation Database.;Multiple lines of computational evidence support a deleterious effect on the gene or gene product.;For recessive disorders, detected in trans with a pathogenic variant.

Literature cited by the submitters: PubMed 29978829 (cited by Labcorp Genetics (formerly Invitae), Labcorp).

NM_000282.4(PCCA):c.809T>C (p.Ile270Thr)

Gene: PCCA (propionyl-CoA carboxylase subunit alpha; plus strand). Cytogenetic location: 13q32.3.
Variant type: single nucleotide variant.
Coding change: c.809T>C on transcript NM_000282.4 (MANE Select); coding-DNA position 809, T replaced by C.
Protein change: p.Ile270Thr; replaces isoleucine 270 with threonine.
Molecular consequence: missense variant. On other transcripts: 5 prime UTR variant (3), non-coding transcript variant (5).
Genome position (GRCh38, 1-based): chr13:100,262,821, T>C. VCF-style: chr13-100262821-T-C. GRCh37 (hg19) VCF-style: chr13-100915075-T-C.
Other names: c.731T>C, p.Ile244Thr (NM_001127692.3, NM_001352607.2, NM_001352608.2); c.809T>C, p.Ile270Thr (NM_001178004.2, NM_001352605.2, NM_001352606.2 and 1 more transcripts); c.-137T>C (NM_001352610.2, NM_001352611.2, NM_001352612.2); short protein forms I244T, I270T.
Identifiers: ClinVar variation 1028666 (VCV001028666.6), dbSNP rs773749632, ClinGen allele CA7033383.